The following is an entry in ClinVar:

NM_004391.3(CYP8B1):c.1245G>A (p.Arg415=)

Gene: CYP8B1 (cytochrome P450 family 8 subfamily B member 1; minus strand). Cytogenetic location: 3p22.1.
Variant type: single nucleotide variant.
Coding change: c.1245G>A on transcript NM_004391.3 (MANE Select); coding-DNA position 1245, G replaced by A.
Protein change: p.Arg415=; no amino-acid change (arginine 415 retained).
Molecular consequence: synonymous variant.
Genome position (GRCh38, 1-based): chr3:42,874,572, C>T on the plus strand (G>A on the coding strand, the complement: CYP8B1 is on the minus strand). VCF-style: chr3-42874572-C-T. GRCh37 (hg19) VCF-style: chr3-42916064-C-T.
Identifiers: ClinVar variation 2653716 (VCV002653716.24), dbSNP rs147356860, ClinGen allele CA2338943.

ClinVar aggregate classification (germline): Likely benign (1 of 4 stars; one submission).

Allele frequency attached by ClinVar (database versions not stated): gnomAD 0.00013; TOPMed 0.00013; ESP Exome Variant Server 0.00015; 1000 Genomes Project 30x 0.00016; ExAC 0.00018; gnomAD exomes 0.00018; 1000 Genomes Project 0.00020.

Submission:

CeGaT Center for Human Genetics Tuebingen
Classification: Likely benign. Last evaluated: 2022-06-01. Review status: criteria provided, single submitter. Criteria: CeGaT Center For Human Genetics Tuebingen Variant Classification Criteria Version 2. Collection method: clinical testing. Allele origin: germline. Affected: yes. Observed: 1 variant allele.
Comment: CYP8B1: BP4, BP7